The following is an entry in ClinVar:

NM_000264.5(PTCH1):c.3116C>T (p.Thr1039Ile)

Gene: PTCH1 (patched 1; minus strand). Cytogenetic location: 9q22.32.
Variant type: single nucleotide variant.
Coding change: c.3116C>T on transcript NM_000264.5 (MANE Select); coding-DNA position 3116, C replaced by T.
Protein change: p.Thr1039Ile; replaces threonine 1039 with isoleucine.
Molecular consequence: missense variant. On other transcripts: non-coding transcript variant (1).
Genome position (GRCh38, 1-based): chr9:95,458,065, G>A on the plus strand (C>T on the coding strand, the complement: PTCH1 is on the minus strand). VCF-style: chr9-95458065-G-A. GRCh37 (hg19) VCF-style: chr9-98220347-G-A.
Other names: c.3116C>T (NM_000264.3); c.2918C>T, p.Thr973Ile (NM_001083602.3); c.3113C>T, p.Thr1038Ile (NM_001083603.3); c.2663C>T, p.Thr888Ile (NM_001083604.3, NM_001083605.3, NM_001083606.3 and 1 more transcripts); c.2960C>T, p.Thr987Ile (NM_001354918.2); short protein forms T1039I, T888I, T973I, T1038I, T987I.
Identifiers: ClinVar variation 1469452 (VCV001469452.9), dbSNP rs2136660189, ClinGen allele CA374112354.

ClinVar aggregate classification (germline): Uncertain significance. Review status: criteria provided, multiple submitters, no conflicts (2 of 4 stars). 2 submissions from 2 submitters: Uncertain significance (2). Last evaluated 2025-04-02.

Conditions:
Hereditary cancer-predisposing syndrome. Also called: Neoplastic Syndromes, Hereditary; Hereditary Cancer Syndrome; Tumor predisposition; Hereditary neoplastic syndrome. Identifiers: Orphanet 140162, MedGen C0027672, MeSH D009386, MONDO:0015356.
Gorlin syndrome. Also called: Nevoid Basal Cell Carcinoma Syndrome; Basal cell nevus syndrome. Identifiers: Orphanet 377, MedGen C0004779, MONDO:0007187.

Submissions (2):

Labcorp Genetics (formerly Invitae), Labcorp
Classification: Uncertain significance for Gorlin syndrome. Last evaluated: 2025-04-02. Review status: criteria provided, single submitter. Criteria: Invitae Variant Classification Sherloc (09022015). Collection method: clinical testing. Allele origin: germline.
Comment: This sequence change replaces threonine, which is neutral and polar, with isoleucine, which is neutral and non-polar, at codon 1039 of the PTCH1 protein (p.Thr1039Ile). This variant is not present in population databases (gnomAD no frequency). This variant has not been reported in the literature in individuals affected with PTCH1-related conditions. ClinVar contains an entry for this variant (Variation ID: 1469452). Invitae Evidence Modeling of protein sequence and biophysical properties (such as structural, functional, and spatial information, amino acid conservation, physicochemical variation, residue mobility, and thermodynamic stability) has been performed for this missense variant. However, the output from this modeling did not meet the statistical confidence thresholds required to predict the impact of this variant on PTCH1 protein function. In summary, the available evidence is currently insufficient to determine the role of this variant in disease. Therefore, it has been classified as a Variant of Uncertain Significance.

Ambry Genetics
Classification: Uncertain significance for Hereditary cancer-predisposing syndrome. Last evaluated: 2024-11-08. Review status: criteria provided, single submitter. Criteria: Ambry Variant Classification Scheme 2023. Collection method: clinical testing. Allele origin: germline.
Comment: The p.T1039I variant (also known as c.3116C>T), located in coding exon 18 of the PTCH1 gene, results from a C to T substitution at nucleotide position 3116. The threonine at codon 1039 is replaced by isoleucine, an amino acid with similar properties. This amino acid position is conserved. In addition, this alteration is predicted to be deleterious by in silico analysis. Based on the available evidence, the clinical significance of this variant remains unclear.